The following is an entry in ClinVar:

ClinVar aggregate classification (germline): Uncertain significance (1 of 4 stars; one submission).

Conditions:
Immunodeficiency 104. Also called: IMMUNODEFICIENCY 104, SEVERE COMBINED; Severe combined immunodeficiency, autosomal recessive, T cell-negative, B cell-positive, NK cell-positive; SCID, AUTOSOMAL RECESSIVE, T CELL-NEGATIVE, B CELL-POSITIVE, NK CELL-POSITIVE; Severe Combined Immune Deficiency, Autosomal Recessive, TCell -Negative, B Cell-Positive, NK Cell-Positive, IL7R-Related. Identifiers: MedGen C5676890, MONDO:0012163, OMIM 608971.

Submission:

Labcorp Genetics (formerly Invitae), Labcorp
Classification: Uncertain significance for Immunodeficiency 104. Last evaluated: 2025-03-12. Review status: criteria provided, single submitter. Criteria: Invitae Variant Classification Sherloc (09022015). Collection method: clinical testing. Allele origin: germline.
Comment: This sequence change replaces isoleucine, which is neutral and non-polar, with threonine, which is neutral and polar, at codon 799 of the PTPRC protein (p.Ile799Thr). This variant is not present in population databases (gnomAD no frequency). This variant has not been reported in the literature in individuals affected with PTPRC-related conditions. An algorithm developed to predict the effect of missense changes on protein structure and function (PolyPhen-2) suggests that this variant is likely to be disruptive. In summary, the available evidence is currently insufficient to determine the role of this variant in disease. Therefore, it has been classified as a Variant of Uncertain Significance.

NM_002838.5(PTPRC):c.2396T>C (p.Ile799Thr)

Gene: PTPRC (protein tyrosine phosphatase receptor type C; plus strand). Cytogenetic location: 1q32.1.
Variant type: single nucleotide variant.
Coding change: c.2396T>C on transcript NM_002838.5 (MANE Select); coding-DNA position 2396, T replaced by C.
Protein change: p.Ile799Thr; replaces isoleucine 799 with threonine.
Molecular consequence: missense variant.
Genome position (GRCh38, 1-based): chr1:198,735,245, T>C. VCF-style: chr1-198735245-T-C. GRCh37 (hg19) VCF-style: chr1-198704374-T-C.
Other names: c.1913T>C, p.Ile638Thr (NM_080921.4); short protein forms I638T, I799T.
Identifiers: ClinVar variation 4809231 (VCV004809231.1).